The following is an entry in ClinVar:

ClinVar aggregate classification (germline): Uncertain significance (1 of 4 stars; one submission).

Submission:

Dasa
Classification: Uncertain significance. Last evaluated: 2025-06-07. Review status: criteria provided, single submitter. Criteria: DASA Assertion Criteria. Collection method: clinical testing. Allele origin: germline.
Comment: NM_032444.4(SLX4):c.540T>A (p.Asn180Lys) is a missense variant that results in the substitution of asparagine with lysine. This variant is absent from population databases. Computational prediction algorithms are consistent with a benign effect. The currently available literature and clinical evidence are not sufficient to establish a definitive association between this variant and the reported condition. Therefore, this variant is classified as a variant of uncertain significance.

NM_032444.4(SLX4):c.540T>A (p.Asn180Lys)

Gene: SLX4 (SLX4 structure-specific endonuclease subunit; minus strand). Cytogenetic location: 16p13.3.
Variant type: single nucleotide variant.
Coding change: c.540T>A on transcript NM_032444.4 (MANE Select); coding-DNA position 540, T replaced by A.
Protein change: p.Asn180Lys; replaces asparagine 180 with lysine.
Molecular consequence: missense variant.
Genome position (GRCh38, 1-based): chr16:3,606,694, A>T on the plus strand (T>A on the coding strand, the complement: SLX4 is on the minus strand). VCF-style: chr16-3606694-A-T. GRCh37 (hg19) VCF-style: chr16-3656695-A-T.
Other names: short protein forms N180K.
Identifiers: ClinVar variation 4883214 (VCV004883214.2).